The following is an entry in ClinVar:

NM_152327.5(AK7):c.1144A>G (p.Ser382Gly)

Gene: AK7 (adenylate kinase 7; plus strand). Cytogenetic location: 14q32.2.
Variant type: single nucleotide variant.
Coding change: c.1144A>G on transcript NM_152327.5 (MANE Select); coding-DNA position 1144, A replaced by G.
Protein change: p.Ser382Gly; replaces serine 382 with glycine.
Molecular consequence: missense variant.
Genome position (GRCh38, 1-based): chr14:96,456,392, A>G. VCF-style: chr14-96456392-A-G. GRCh37 (hg19) VCF-style: chr14-96922729-A-G.
Other names: c.1144A>G, p.Ser382Gly (NM_001350888.2, NM_001350890.2, NM_001350892.2); c.1066A>G, p.Ser356Gly (NM_001350891.2); short protein forms S356G, S382G.
Identifiers: ClinVar variation 1965099 (VCV001965099.4), dbSNP rs143116825, ClinGen allele CA7337760.

ClinVar aggregate classification (germline): Uncertain significance (1 of 4 stars; one submission).

Allele frequency attached by ClinVar (database versions not stated): gnomAD 0.00001; ExAC 0.00003; gnomAD exomes 0.00003; TOPMed 0.00004; ESP Exome Variant Server 0.00023.
gnomAD v4.1: 53 of 1,613,860 alleles (0.0033%); highest among the groups gnomAD compares: Non-Finnish European, 0.0041%; no homozygotes.

Submission:

Labcorp Genetics (formerly Invitae), Labcorp
Classification: Uncertain significance. Last evaluated: 2024-01-14. Review status: criteria provided, single submitter. Criteria: Invitae Variant Classification Sherloc (09022015). Collection method: clinical testing. Allele origin: germline.
Comment: This sequence change replaces serine, which is neutral and polar, with glycine, which is neutral and non-polar, at codon 382 of the AK7 protein (p.Ser382Gly). This variant is present in population databases (rs143116825, gnomAD 0.003%). This variant has not been reported in the literature in individuals affected with AK7-related conditions. ClinVar contains an entry for this variant (Variation ID: 1965099). Advanced modeling of protein sequence and biophysical properties (such as structural, functional, and spatial information, amino acid conservation, physicochemical variation, residue mobility, and thermodynamic stability) has been performed at Invitae for this missense variant, however the output from this modeling did not meet the statistical confidence thresholds required to predict the impact of this variant on AK7 protein function. In summary, the available evidence is currently insufficient to determine the role of this variant in disease. Therefore, it has been classified as a Variant of Uncertain Significance.